The following is an entry in ClinVar:

NM_138817.3(SLC7A13):c.125C>G (p.Ser42Cys)

Gene: SLC7A13 (solute carrier family 7 member 13; minus strand). Cytogenetic location: 8q21.3.
Variant type: single nucleotide variant.
Coding change: c.125C>G on transcript NM_138817.3 (MANE Select); coding-DNA position 125, C replaced by G.
Protein change: p.Ser42Cys; replaces serine 42 with cysteine.
Molecular consequence: missense variant.
Genome position (GRCh38, 1-based): chr8:86,230,153, G>C on the plus strand (C>G on the coding strand, the complement: SLC7A13 is on the minus strand). VCF-style: chr8-86230153-G-C. GRCh37 (hg19) VCF-style: chr8-87242382-G-C.
Other names: short protein forms S42C.
Identifiers: ClinVar variation 4754864 (VCV004754864.1).

ClinVar aggregate classification (germline): Uncertain significance (1 of 4 stars; one submission).

gnomAD v4.1: 8 of 1,614,176 alleles (0.0005%); highest among the groups gnomAD compares: South Asian, 0.0033%; no homozygotes.

Submission:

Labcorp Genetics (formerly Invitae), Labcorp
Classification: Uncertain significance. Last evaluated: 2025-11-03. Review status: criteria provided, single submitter. Criteria: Invitae Variant Classification Sherloc (09022015). Collection method: clinical testing. Allele origin: germline.
Comment: This sequence change replaces serine, which is neutral and polar, with cysteine, which is neutral and slightly polar, at codon 42 of the SLC7A13 protein (p.Ser42Cys). This variant is present in population databases (rs775516440, gnomAD 0.006%). This variant has not been reported in the literature in individuals affected with SLC7A13-related conditions. An algorithm developed to predict the effect of missense changes on protein structure and function outputs the following: PolyPhen-2: "Benign". The cysteine amino acid residue is found in multiple mammalian species, which suggests that this missense change does not adversely affect protein function. In summary, the available evidence is currently insufficient to determine the role of this variant in disease. Therefore, it has been classified as a Variant of Uncertain Significance.